The following is an entry in ClinVar:

NM_001130438.3(SPTAN1):c.4060T>C (p.Trp1354Arg)

Gene: SPTAN1 (spectrin alpha, non-erythrocytic 1; plus strand). Cytogenetic location: 9q34.11.
Variant type: single nucleotide variant.
Coding change: c.4060T>C on transcript NM_001130438.3 (MANE Select); coding-DNA position 4060, T replaced by C.
Protein change: p.Trp1354Arg; replaces tryptophan 1354 with arginine.
Molecular consequence: missense variant.
Genome position (GRCh38, 1-based): chr9:128,607,617, T>C. VCF-style: chr9-128607617-T-C. GRCh37 (hg19) VCF-style: chr9-131369896-T-C.
Other names: c.4000T>C, p.Trp1334Arg (NM_001195532.2, NM_001363765.2, NM_001375314.2 and 3 more transcripts); c.4060T>C, p.Trp1354Arg (NM_001363759.2, NM_001375310.1, NM_001375311.2 and 4 more transcripts); c.4096T>C, p.Trp1366Arg (NM_001375312.2, NM_001375318.1, NM_001438440.1); short protein forms W1334R, W1354R, W1366R.
Identifiers: ClinVar variation 4801850 (VCV004801850.1).
Genomic context (GRCh38, chr9:128,607,617, plus strand): 5'-CTTACCAGGTAATATAATAGCTATTTTTCTGGGGTGCTGGTTTCCAGGGACCTCATGTCT[T>C]GGATCAATGGAATACGGGGGTTGGTGTCCTCAGATGAGCTAGCCAAGGATGTCACCGGAG-3'
Protein context (NP_001123910.1, residues 1344-1364): FLSDFRDLMS[Trp1354Arg]INGIRGLVSS

ClinVar aggregate classification (germline): Uncertain significance (1 of 4 stars; one submission).

Conditions:
Early-infantile DEE. Also called: Early infantile epileptic encephalopathy; Early infantile epileptic encephalopathy with suppression bursts; Ohtahara syndrome. Identifiers: Orphanet 1934, MedGen C0393706, MONDO:0800491.

Submission:

Labcorp Genetics (formerly Invitae), Labcorp
Classification: Uncertain significance for Early-infantile DEE. Last evaluated: 2025-12-27. Review status: criteria provided, single submitter. Criteria: Invitae Variant Classification Sherloc (09022015). Collection method: clinical testing. Allele origin: germline.
Comment: This sequence change replaces tryptophan, which is neutral and slightly polar, with arginine, which is basic and polar, at codon 1354 of the SPTAN1 protein (p.Trp1354Arg). This variant is not present in population databases (gnomAD no frequency). This variant has not been reported in the literature in individuals affected with SPTAN1-related conditions. Invitae Evidence Modeling of protein sequence and biophysical properties (such as structural, functional, and spatial information, amino acid conservation, physicochemical variation, residue mobility, and thermodynamic stability) has been performed for this missense variant. However, the output from this modeling did not meet the statistical confidence thresholds required to predict the impact of this variant on SPTAN1 protein function. In summary, the available evidence is currently insufficient to determine the role of this variant in disease. Therefore, it has been classified as a Variant of Uncertain Significance.